The following is an entry in ClinVar:

ClinVar aggregate classification (germline): Uncertain significance (1 of 4 stars; one submission).

Conditions:
GM1 gangliosidosis. Identifiers: Orphanet 354, MedGen C0085131, MONDO:0018149.

gnomAD v4.1: 1 of 1,612,806 alleles (0.000062%); highest among the groups gnomAD compares: African/African-American, 0.0013%; no homozygotes.

Submission:

Illumina Laboratory Services, Illumina
Classification: Uncertain significance for GM1 gangliosidosis. Last evaluated: 2024-02-29. Review status: criteria provided, single submitter. Criteria: ISL SNV Classification Criteria 03 February 2026. Collection method: clinical testing. Allele origin: unknown.
Comment: The GLB1 c.1738C>G p.(Gln580Glu) missense variant has not, to our knowledge, been reported in the peer-reviewed literature. This variant is not observed at a significant frequency in version 2.1.1 or version 4.0.0 of the Genome Aggregation Database. The p.(Gln580Glu) variant is located in a hotspot (ClinVar). Additionally, a different amino acid substitution at the same codon p.(Gln580Arg), resulting in a variant of uncertain significance has been reported in an individual with GM1 gangliosidosis (PMID: 23046582). Based on the available evidence, the c.1738C>G p.(Gln580Glu) variant is classified as a variant of uncertain significance for GM1 gangliosidosis.

Literature cited by the submitters: PubMed 23046582.

NM_000404.4(GLB1):c.1738C>G (p.Gln580Glu)

Gene: GLB1 (galactosidase beta 1; minus strand). Cytogenetic location: 3p22.3.
Variant type: single nucleotide variant.
Coding change: c.1738C>G on transcript NM_000404.4 (MANE Select); coding-DNA position 1738, C replaced by G.
Protein change: p.Gln580Glu; replaces glutamine 580 with glutamic acid.
Molecular consequence: missense variant. On other transcripts: intron variant (1).
Genome position (GRCh38, 1-based): chr3:32,997,341, G>C on the plus strand (C>G on the coding strand, the complement: GLB1 is on the minus strand). VCF-style: chr3-32997341-G-C. GRCh37 (hg19) VCF-style: chr3-33038833-G-C.
Other names: c.1648C>G, p.Gln550Glu (NM_001079811.3); c.1345C>G, p.Gln449Glu (NM_001135602.3); c.1882C>G, p.Gln628Glu (NM_001317040.2); c.1734+16715C>G (NM_001393580.1); short protein forms Q449E, Q550E, Q580E, Q628E.
Identifiers: ClinVar variation 4759478 (VCV004759478.1).